The following is an entry in ClinVar:

ClinVar aggregate classification (germline): Uncertain significance (1 of 4 stars; one submission).

Conditions:
Ullrich congenital muscular dystrophy 2 (UCMD2). Identifiers: Orphanet 75840, MedGen C4225314, MONDO:0014654, OMIM 616470.
Bethlem myopathy 2 (BTHLM2). Identifiers: Orphanet 536516, Orphanet 610, MedGen C4225313, MONDO:0034022, OMIM 616471.

Submission:

Labcorp Genetics (formerly Invitae), Labcorp
Classification: Uncertain significance for Bethlem myopathy 2; Ullrich congenital muscular dystrophy 2. Last evaluated: 2018-10-31. Review status: criteria provided, single submitter. Criteria: Invitae Variant Classification Sherloc (09022015). Collection method: clinical testing. Allele origin: germline.
Comment: In summary, the available evidence is currently insufficient to determine the role of this variant in disease. Therefore, it has been classified as a Variant of Uncertain Significance. This sequence change replaces glycine with valine at codon 2452 of the COL12A1 protein (p.Gly2452Val). The glycine residue is highly conserved and there is a moderate physicochemical difference between glycine and valine. This variant is not present in population databases (ExAC no frequency). This variant has not been reported in the literature in individuals with COL12A1-related disease. Algorithms developed to predict the effect of missense changes on protein structure and function are either unavailable or do not agree on the potential impact of this missense change (SIFT: "Deleterious"; PolyPhen-2: "Probably Damaging"; Align-GVGD: "Class C0"). Algorithms developed to predict the effect of sequence changes on RNA splicing suggest that this variant may disrupt the consensus splice site, but this prediction has not been confirmed by published transcriptional studies.

NM_004370.6(COL12A1):c.7355G>T (p.Gly2452Val)

Gene: COL12A1 (collagen type XII alpha 1 chain; minus strand). Cytogenetic location: 6q13.
Variant type: single nucleotide variant.
Coding change: c.7355G>T on transcript NM_004370.6 (MANE Select); coding-DNA position 7355, G replaced by T.
Protein change: p.Gly2452Val; replaces glycine 2452 with valine.
Molecular consequence: missense variant.
Genome position (GRCh38, 1-based): chr6:75,117,546, C>A on the plus strand (G>T on the coding strand, the complement: COL12A1 is on the minus strand). VCF-style: chr6-75117546-C-A. GRCh37 (hg19) VCF-style: chr6-75827262-C-A.
Other names: c.3863G>T, p.Gly1288Val (NM_080645.3); short protein forms G2452V, G1288V.
Identifiers: ClinVar variation 663910 (VCV000663910.9), dbSNP rs1224729276, ClinGen allele CA364746724.
Genomic context (GRCh38, chr6:75,117,546, plus strand): 5'-GCAATGTTGGCAAGCTCATTGTAGTCGACATCAGCCACACCAACTACAAAGACACTGAAC[C>A]CTGCAAAGTAGCATTTATAGAATGAATCACGTATCTCTTTTTCTGTCCTTGTTGTTAGAA-3'
Protein context (NP_004361.3, residues 2442-2462): KKAALVIQQS[Gly2452Val]FSVFVVGVAD